The following is an entry in ClinVar:

ClinVar aggregate classification (germline): Likely pathogenic. Review status: criteria provided, multiple submitters, no conflicts (2 of 4 stars). 3 submissions from 3 submitters: Likely pathogenic (3). Last evaluated 2026-07-30.

Conditions:
Alport syndrome. Also called: Hemorrhagic familial nephritis; Hemorrhagic hereditary nephritis; Congenital hereditary hematuria. Identifiers: Orphanet 63, MedGen C1567741, MONDO:0018965.

Submissions (3):

Myriad Genetics, Inc.
Classification: Likely pathogenic for Alport syndrome. Last evaluated: 2026-07-30. Review status: criteria provided, single submitter. Criteria: Myriad Autosomal Dominant, Autosomal Recessive and X-Linked Classification Criteria (2023). Collection method: clinical testing. Allele origin: unknown.
Comment: NM_000091.4(COL4A3):c.1927+1G>A is a variant in a canonical splice site classified as likely pathogenic in the context of Alport syndrome, COL4A3-related. c.1927+1G>A has not been observed in cases with relevant disease. Relevant functional assessments of this variant are not available in the literature. c.1927+1G>A has not been observed in referenced population frequency databases. In summary, NM_000091.4(COL4A3):c.1927+1G>A is a variant in a canonical splice site in a gene where loss of function is a known mechanism of disease and is predicted to disrupt protein function. Please note: this variant was assessed in the context of healthy population screening.

Natera, Inc.
Classification: Likely pathogenic for Alport syndrome. Last evaluated: 2025-04-19. Review status: criteria provided, single submitter. Criteria: Natera Variant Classification Schema (03/2026). Collection method: clinical testing. Allele origin: germline.
Comment: The c.1927+1G>A variant in COL4A3 is a canonical splice donor site variant predicted to affect pre-mRNA splicing, which may result in an abnormal transcript and altered protein product. This variant is expected to result in nonsense mediated decay, truncation, or a dysfunctional protein product. This variant is rare in the general population with a frequency below the threshold expected for the associated phenotype(s). Given the available evidence, this variant is classified as Likely Pathogenic.

Victorian Clinical Genetics Services, Murdoch Childrens Research Institute
Classification: Likely pathogenic for Alport syndrome. Last evaluated: 2022-02-02. Review status: criteria provided, single submitter. Criteria: ACMG Guidelines, 2015. Collection method: clinical testing. Allele origin: germline. Affected: yes.
Comment: Based on the classification scheme VCGS_Germline_v1.3.4, this variant is classified as Likely pathogenic. Following criteria are met: 0103 - Dominant negative and loss-of-function are known mechanisms of disease in this gene and are associated with COL4A3-related nephropathy. Glycine changes that are part of a G-X-Y repeat in the triple helix of a collagen domain are known to have a dominant-negative effect (PMID: 12028435). (I) 0108 - This gene is associated with both recessive (Alport syndrome 2 MIM#203780) and dominant disease (Alport syndrome 3 MIM#104200 and benign familial hematuria MIM#141200) (OMIM). (I) 0211 - Canonical splice site variant without proven consequence on splicing (no functional evidence available). (SP) 0251 - This variant is heterozygous. (I) 0301 - Variant is absent from gnomAD (both v2 and v3). (SP) 0505 - Abnormal splicing is predicted by in silico tools and affected nucleotide is highly conserved. (SP) 0704 - Another splice variant comparable to the one identified in this case has limited previous evidence for pathogenicity. The splice variant (c.1927+2T>C), in the same canonical splice region, has been reported as likely pathogenic (ClinVar). (SP) 0807 - This variant has no previous evidence of pathogenicity. (I) 0905 - No published segregation evidence has been identified for this variant. (I) 1007 - No published functional evidence has been identified for this variant. (I) 1101 - Very strong and specific phenotype match for this individual. (I) Legend: (SP) - Supporting pathogenic, (I) - Information, (SB) - Supporting benign

Literature cited by the submitters: PubMed 12028435 (cited by Victorian Clinical Genetics Services, Murdoch Childrens Research Institute).

NM_000091.5(COL4A3):c.1927+1G>A

Genes: COL4A3 (collagen type IV alpha 3 chain; plus strand), MFF-DT (MFF divergent transcript; minus strand). Cytogenetic location: 2q36.3.
Variant type: single nucleotide variant.
Coding change: c.1927+1G>A on transcript NM_000091.5 (MANE Select); the canonical splice donor site of the intron after coding-DNA position 1927, G replaced by A.
Molecular consequence: splice donor variant.
Genome position (GRCh38, 1-based): chr2:227,273,118, G>A. VCF-style: chr2-227273118-G-A. GRCh37 (hg19) VCF-style: chr2-228137834-G-A.
Identifiers: ClinVar variation 3377388 (VCV003377388.4).